The following is an entry in ClinVar:

GRCh38/hg38 10q26.3(chr10:132445383-133398465)x3

Genes: ADAM8 (ADAM metallopeptidase domain 8; minus strand), ADGRA1 (adhesion G protein-coupled receptor A1; plus strand), ADGRA1-AS1 (ADGRA1 antisense RNA 1; minus strand), CALY (calcyon neuron specific vesicular protein; minus strand), CFAP46 (cilia and flagella associated protein 46; minus strand) and 67 more. Cytogenetic location: 10q26.3.
Variant type: copy number gain.
Change: copy number 3 (three copies instead of two) of chr10:132,445,383-133,398,465 (953.1 kb, GRCh38 coordinates, 1-based), cytogenetic band 10q26.3.
Identifiers: ClinVar variation 57950 (VCV000057950.1).

ClinVar aggregate classification (germline): Uncertain significance (1 of 4 stars; one submission).

Submission:

ISCA site 15
Classification: Uncertain significance. Last evaluated: 2011-08-12. Review status: criteria provided, single submitter. Criteria: Kaminsky et al. (Genet Med. 2011). Collection method: clinical testing. Allele origin: unknown. Affected: yes. Observed: 1 variant allele.
Comment: Copy number variation identified through the course of routine clinical cytogenomic testing in postnatal populations. Clinical assertions have been curated as described in Kaminsky et al. 2011.